The following is an entry in ClinVar:

ClinVar aggregate classification (germline): Benign (1 of 4 stars; one submission).

Allele frequency attached by ClinVar (database versions not stated): 1000 Genomes Project 0.46785; 1000 Genomes Project 30x 0.46893; TOPMed 0.49104; gnomAD 0.49598 and 0.50214.
gnomAD v4.1: 75,394 of 151,978 alleles (50%); highest among the groups gnomAD compares: African/African-American, 57%; 19,078 homozygotes.

Submission:

GeneDx
Classification: Benign. Last evaluated: 2018-06-14. Review status: criteria provided, single submitter. Criteria: GeneDx Variant Classification (06012015). Collection method: clinical testing. Allele origin: germline. Affected: yes.
Comment: This variant is considered likely benign or benign based on one or more of the following criteria: it is a conservative change, it occurs at a poorly conserved position in the protein, it is predicted to be benign by multiple in silico algorithms, and/or has population frequency not consistent with disease.

NM_130837.3(OPA1):c.678+296G>A

Genes: OPA1 (OPA1 mitochondrial dynamin like GTPase; plus strand), OPA1-AS1 (OPA1 antisense RNA 1; minus strand). Cytogenetic location: 3q29.
Variant type: single nucleotide variant.
Coding change: c.678+296G>A on transcript NM_130837.3 (MANE Select); 296 bases into the intron after coding-DNA position 678, G replaced by A.
Molecular consequence: intron variant.
Genome position (GRCh38, 1-based): chr3:193,619,232, G>A. VCF-style: chr3-193619232-G-A. GRCh37 (hg19) VCF-style: chr3-193337021-G-A.
Other names: c.252+296G>A (NM_001354664.2); c.144+296G>A (NM_001354663.2); c.678+296G>A (NM_130834.3); c.624+296G>A (NM_130836.3, NM_015560.3); c.570+296G>A (NM_130835.3, NM_130832.3); c.516+296G>A (NM_130833.3, NM_130831.3).
Identifiers: ClinVar variation 683260 (VCV000683260.1), dbSNP rs9817704, ClinGen allele CA11463773.
Genomic context (GRCh38, chr3:193,619,232, plus strand): 5'-TGTCCCCAAGAAAGAGTTGTGTTGTTAAGTGTGTGGGGGGAGAAAGGCTCGTTTAGACAA[G>A]GCAAGCGGACTTCTTTTCTTTCCCTAGGACCTCTCATACTGTAATATACTCATGCGCATT-3'